The following is an entry in ClinVar:

ClinVar aggregate classification (germline): Benign/Likely benign. Review status: criteria provided, multiple submitters, no conflicts (2 of 4 stars). 4 submissions from 4 submitters: Benign (1); Likely benign (3). Last evaluated 2026-01-31.

Conditions:
Fraser syndrome 1 (FRASRS1). Also called: CRYPTOPHTHALMOS WITH OTHER MALFORMATIONS. Identifiers: Orphanet 2052, MedGen C4551480, MONDO:0054737, OMIM 219000.

Allele frequency attached by ClinVar (database versions not stated): 1000 Genomes Project 0.00080; ESP Exome Variant Server 0.00089; gnomAD 0.00102 and 0.00105; 1000 Genomes Project 30x 0.00109; gnomAD exomes 0.00115 and 0.00120; ExAC 0.00119; TOPMed 0.00130.
gnomAD v4.1: 1,906 of 1,582,926 alleles (0.12%); highest among the groups gnomAD compares: Middle Eastern, 0.32%; 4 homozygotes.

Submissions (4):

Labcorp Genetics (formerly Invitae), Labcorp
Classification: Benign. Last evaluated: 2026-01-31. Review status: criteria provided, single submitter. Criteria: Invitae Variant Classification Sherloc (09022015). Collection method: clinical testing. Allele origin: germline.

Blueprint Genetics
Classification: Likely benign. Last evaluated: 2024-11-13. Review status: criteria provided, single submitter. Criteria: ACMG Guidelines, 2015. Collection method: clinical testing. Allele origin: germline.

Illumina Laboratory Services, Illumina
Classification: Likely benign for Fraser syndrome 1. Last evaluated: 2018-01-13. Review status: criteria provided, single submitter. Criteria: ICSL Variant Classification Criteria 13 December 2019. Collection method: clinical testing. Allele origin: germline.
Comment: This variant was observed in the ICSL laboratory as part of a predisposition screen in an ostensibly healthy population. It had not been previously curated by ICSL or reported in the Human Gene Mutation Database (HGMD: prior to June 1st, 2018), and was therefore a candidate for classification through an automated scoring system. Utilizing variant allele frequency, disease prevalence and penetrance estimates, and inheritance mode, an automated score was calculated to assess if this variant is too frequent to cause the disease. Based on the score and internal cut-off values, a variant classified as likely benign is not then subjected to further curation. The score for this variant resulted in a classification of likely benign for this disease.

Breakthrough Genomics
Classification: Likely benign. Review status: criteria provided, single submitter. Criteria: ACMG Guidelines, 2015. Collection method: not provided. Allele origin: germline. Inheritance: Autosomal recessive inheritance. Affected: yes.

NM_025074.7(FRAS1):c.6763+12A>G

Gene: FRAS1 (Fraser extracellular matrix complex subunit 1; plus strand). Cytogenetic location: 4q21.21.
Variant type: single nucleotide variant.
Coding change: c.6763+12A>G on transcript NM_025074.7 (MANE Select); 12 bases into the intron after coding-DNA position 6763, A replaced by G.
Molecular consequence: intron variant.
Genome position (GRCh38, 1-based): chr4:78,452,366, A>G. VCF-style: chr4-78452366-A-G. GRCh37 (hg19) VCF-style: chr4-79373520-A-G.
Identifiers: ClinVar variation 906417 (VCV000906417.13), dbSNP rs185282133, ClinGen allele CA2977869.
Genomic context (GRCh38, chr4:78,452,366, plus strand): 5'-ATCACCAGACAGCCCCAGCTGGGCCACTTGGAACATGCAGCATCACCAGGTAAGTCTATC[A>G]TCTCTTGATTTACTGAATCAAAACTTAGACCTTAGTAAGTATTGAGGGCAGCCACATCAT-3'